The following is an entry in ClinVar:

NM_001958.5(EEF1A2):c.356G>A (p.Gly119Asp)

Gene: EEF1A2 (eukaryotic translation elongation factor 1 alpha 2; minus strand). Cytogenetic location: 20q13.33.
Variant type: single nucleotide variant.
Coding change: c.356G>A on transcript NM_001958.5 (MANE Select); coding-DNA position 356, G replaced by A.
Protein change: p.Gly119Asp; replaces glycine 119 with aspartic acid.
Molecular consequence: missense variant.
Genome position (GRCh38, 1-based): chr20:63,495,070, C>T on the plus strand (G>A on the coding strand, the complement: EEF1A2 is on the minus strand). VCF-style: chr20-63495070-C-T. GRCh37 (hg19) VCF-style: chr20-62126423-C-T.
Other names: c.356G>A (NM_001958.3); short protein forms G119D.
Identifiers: ClinVar variation 1509982 (VCV001509982.10), dbSNP rs2145944958, ClinGen allele CA409650417.
Genomic context (GRCh38, chr20:63,495,070, plus strand): 5'-AGCAGGGCATGCTCCCGCGTCTGCCCATTCTTGGAGATGCCCGCCTCGAACTCGCCCACG[C>T]CCGCCGCCACGATCAGCACTGCGCAGTCCGCCTGCCCGGCAGGGGACACAGTGAGCCCTG-3'
Protein context (NP_001949.1, residues 109-129): ADCAVLIVAA[Gly119Asp]VGEFEAGISK

ClinVar aggregate classification (germline): Uncertain significance. Review status: criteria provided, multiple submitters, no conflicts (2 of 4 stars). 3 submissions from 3 submitters: Uncertain significance (3). Last evaluated 2023-05-31.

Conditions:
Developmental and epileptic encephalopathy, 33 (DEE33). Also called: Epileptic encephalopathy, early infantile, 33. Identifiers: Orphanet 442835, MedGen C4225337, MONDO:0014625, OMIM 616409.
Intellectual disability. Also called: Intellectual functioning disability; Intellectual developmental disorder; intellectual disabilities. Identifiers: MedGen C3714756, MeSH D008607, MONDO:0001071, HP:0001249.

Submissions (3):

Labcorp Genetics (formerly Invitae), Labcorp
Classification: Uncertain significance for Developmental and epileptic encephalopathy, 33. Last evaluated: 2023-05-31. Review status: criteria provided, single submitter. Criteria: Invitae Variant Classification Sherloc (09022015). Collection method: clinical testing. Allele origin: germline.
Comment: This sequence change replaces glycine, which is neutral and non-polar, with aspartic acid, which is acidic and polar, at codon 119 of the EEF1A2 protein (p.Gly119Asp). This variant is not present in population databases (gnomAD no frequency). This missense change has been observed in individual(s) with clinical features of EEF1A2-related conditions (Invitae). ClinVar contains an entry for this variant (Variation ID: 1509982). Advanced modeling of protein sequence and biophysical properties (such as structural, functional, and spatial information, amino acid conservation, physicochemical variation, residue mobility, and thermodynamic stability) performed at Invitae indicates that this missense variant is not expected to disrupt EEF1A2 protein function. In summary, the available evidence is currently insufficient to determine the role of this variant in disease. Therefore, it has been classified as a Variant of Uncertain Significance.

GeneDx
Classification: Uncertain significance. Last evaluated: 2023-05-02. Review status: criteria provided, single submitter. Criteria: GeneDx Variant Classification Process June 2021. Collection method: clinical testing. Allele origin: germline. Affected: yes.
Comment: Not observed at significant frequency in large population cohorts (gnomAD); In silico analysis supports that this missense variant has a deleterious effect on protein structure/function; Has not been previously published as pathogenic or benign to our knowledge

Cambridge Genomics Laboratory, East Genomic Laboratory Hub, NHS Genomic Medicine Service
Classification: Uncertain significance for Intellectual disability. Last evaluated: 2020-06-18. Review status: criteria provided, single submitter. Criteria: ACGS Best Practice Guidelines for Variant Classification in Rare Disease 2020. Collection method: clinical testing. Allele origin: germline. Affected: yes. Observed: 1 variant allele.